The following is an entry in ClinVar:

ClinVar aggregate classification (germline): Benign (0 of 4 stars; one submission).

Conditions:
DCXR-related disorder. Also called: DCXR-related condition.

Allele frequency attached by ClinVar (database versions not stated): ExAC 0.05655; ESP Exome Variant Server 0.15673; 1000 Genomes Project 0.21186; 1000 Genomes Project 30x 0.21986; gnomAD 0.23868; TOPMed 0.24760.

Submissions 1 to 32 of 42:

PreventionGenetics, part of Exact Sciences
Classification: Benign for DCXR-related condition. Last evaluated: 2019-10-28. Review status: no assertion criteria provided. Collection method: clinical testing. Allele origin: germline.
Comment: This variant is classified as benign based on ACMG/AMP sequence variant interpretation guidelines (Richards et al. 2015 PMID: 25741868, with internal and published modifications).

Dr. Peter K. Rogan Lab, Western University
No classification provided (evidence only). Condition: Lung cancer. Review status: no classification provided. Collection method: in vitro. Allele origin: not applicable. Functional consequence: retained intron. Not counted in ClinVar's aggregate classification.

Dr. Peter K. Rogan Lab, Western University
No classification provided (evidence only). Condition: Lung cancer. Review status: no classification provided. Collection method: in vitro. Allele origin: not applicable. Functional consequence: skipped exon. Not counted in ClinVar's aggregate classification.

Dr. Peter K. Rogan Lab, Western University
No classification provided (evidence only). Condition: Lung cancer. Review status: no classification provided. Collection method: in vitro. Allele origin: not applicable. Functional consequence: skipped exon, retained intron. Not counted in ClinVar's aggregate classification.

Dr. Peter K. Rogan Lab, Western University
No classification provided (evidence only). Condition: Lung cancer. Review status: no classification provided. Collection method: in vitro. Allele origin: not applicable. Functional consequence: skipped exon, retained intron. Not counted in ClinVar's aggregate classification.

Dr. Peter K. Rogan Lab, Western University
No classification provided (evidence only). Condition: Lung cancer. Review status: no classification provided. Collection method: in vitro. Allele origin: not applicable. Functional consequence: retained intron. Not counted in ClinVar's aggregate classification.

Dr. Peter K. Rogan Lab, Western University
No classification provided (evidence only). Condition: Lung cancer. Review status: no classification provided. Collection method: in vitro. Allele origin: not applicable. Functional consequence: skipped exon. Not counted in ClinVar's aggregate classification.

Dr. Peter K. Rogan Lab, Western University
No classification provided (evidence only). Condition: Acute myeloid leukemia. Review status: no classification provided. Collection method: in vitro. Allele origin: not applicable. Functional consequence: retained intron. Not counted in ClinVar's aggregate classification.

Dr. Peter K. Rogan Lab, Western University
No classification provided (evidence only). Condition: Malignant lymphoma, large B-cell, diffuse. Review status: no classification provided. Collection method: in vitro. Allele origin: not applicable. Functional consequence: skipped exon, retained intron. Not counted in ClinVar's aggregate classification.

Dr. Peter K. Rogan Lab, Western University
No classification provided (evidence only). Condition: Malignant lymphoma, large B-cell, diffuse. Review status: no classification provided. Collection method: in vitro. Allele origin: not applicable. Functional consequence: skipped exon. Not counted in ClinVar's aggregate classification.

Dr. Peter K. Rogan Lab, Western University
No classification provided (evidence only). Condition: Malignant lymphoma, large B-cell, diffuse. Review status: no classification provided. Collection method: in vitro. Allele origin: not applicable. Functional consequence: skipped exon, retained intron. Not counted in ClinVar's aggregate classification.

Dr. Peter K. Rogan Lab, Western University
No classification provided (evidence only). Condition: Malignant lymphoma, large B-cell, diffuse. Review status: no classification provided. Collection method: in vitro. Allele origin: not applicable. Functional consequence: skipped exon, retained intron. Not counted in ClinVar's aggregate classification.

Dr. Peter K. Rogan Lab, Western University
No classification provided (evidence only). Condition: Hepatocellular carcinoma. Review status: no classification provided. Collection method: in vitro. Allele origin: not applicable. Functional consequence: skipped exon, retained intron. Not counted in ClinVar's aggregate classification.

Dr. Peter K. Rogan Lab, Western University
No classification provided (evidence only). Condition: Cholangiocarcinoma. Review status: no classification provided. Collection method: in vitro. Allele origin: not applicable. Functional consequence: skipped exon, retained intron. Not counted in ClinVar's aggregate classification.

Dr. Peter K. Rogan Lab, Western University
No classification provided (evidence only). Condition: Cholangiocarcinoma. Review status: no classification provided. Collection method: in vitro. Allele origin: not applicable. Functional consequence: skipped exon, retained intron. Not counted in ClinVar's aggregate classification.

Dr. Peter K. Rogan Lab, Western University
No classification provided (evidence only). Condition: Cholangiocarcinoma. Review status: no classification provided. Collection method: in vitro. Allele origin: not applicable. Functional consequence: skipped exon. Not counted in ClinVar's aggregate classification.

Dr. Peter K. Rogan Lab, Western University
No classification provided (evidence only). Condition: Gastric cancer. Review status: no classification provided. Collection method: in vitro. Allele origin: not applicable. Functional consequence: retained intron. Not counted in ClinVar's aggregate classification.

Dr. Peter K. Rogan Lab, Western University
No classification provided (evidence only). Condition: Gastric cancer. Review status: no classification provided. Collection method: in vitro. Allele origin: not applicable. Functional consequence: retained intron. Not counted in ClinVar's aggregate classification.

Dr. Peter K. Rogan Lab, Western University
No classification provided (evidence only). Condition: Gastric cancer. Review status: no classification provided. Collection method: in vitro. Allele origin: not applicable. Functional consequence: retained intron. Not counted in ClinVar's aggregate classification.

Dr. Peter K. Rogan Lab, Western University
No classification provided (evidence only). Condition: Gastric cancer. Review status: no classification provided. Collection method: in vitro. Allele origin: not applicable. Functional consequence: retained intron. Not counted in ClinVar's aggregate classification.

Dr. Peter K. Rogan Lab, Western University
No classification provided (evidence only). Condition: Uterine carcinosarcoma. Review status: no classification provided. Collection method: in vitro. Allele origin: not applicable. Functional consequence: skipped exon, retained intron. Not counted in ClinVar's aggregate classification.

Dr. Peter K. Rogan Lab, Western University
No classification provided (evidence only). Condition: Uterine carcinosarcoma. Review status: no classification provided. Collection method: in vitro. Allele origin: not applicable. Functional consequence: skipped exon, retained intron. Not counted in ClinVar's aggregate classification.

Dr. Peter K. Rogan Lab, Western University
No classification provided (evidence only). Condition: Uterine carcinosarcoma. Review status: no classification provided. Collection method: in vitro. Allele origin: not applicable. Functional consequence: skipped exon. Not counted in ClinVar's aggregate classification.

Dr. Peter K. Rogan Lab, Western University
No classification provided (evidence only). Condition: Uterine carcinosarcoma. Review status: no classification provided. Collection method: in vitro. Allele origin: not applicable. Functional consequence: skipped exon. Not counted in ClinVar's aggregate classification.

Dr. Peter K. Rogan Lab, Western University
No classification provided (evidence only). Condition: Uterine carcinosarcoma. Review status: no classification provided. Collection method: in vitro. Allele origin: not applicable. Functional consequence: skipped exon, retained intron. Not counted in ClinVar's aggregate classification.

Dr. Peter K. Rogan Lab, Western University
No classification provided (evidence only). Condition: Uterine carcinosarcoma. Review status: no classification provided. Collection method: in vitro. Allele origin: not applicable. Functional consequence: skipped exon. Not counted in ClinVar's aggregate classification.

Dr. Peter K. Rogan Lab, Western University
No classification provided (evidence only). Condition: Malignant tumor of esophagus. Review status: no classification provided. Collection method: in vitro. Allele origin: not applicable. Functional consequence: retained intron. Not counted in ClinVar's aggregate classification.

Dr. Peter K. Rogan Lab, Western University
No classification provided (evidence only). Condition: Malignant tumor of esophagus. Review status: no classification provided. Collection method: in vitro. Allele origin: not applicable. Functional consequence: retained intron. Not counted in ClinVar's aggregate classification.

Dr. Peter K. Rogan Lab, Western University
No classification provided (evidence only). Condition: Malignant tumor of esophagus. Review status: no classification provided. Collection method: in vitro. Allele origin: not applicable. Functional consequence: skipped exon. Not counted in ClinVar's aggregate classification.

Dr. Peter K. Rogan Lab, Western University
No classification provided (evidence only). Condition: Malignant tumor of esophagus. Review status: no classification provided. Collection method: in vitro. Allele origin: not applicable. Functional consequence: skipped exon, retained intron. Not counted in ClinVar's aggregate classification.

Dr. Peter K. Rogan Lab, Western University
No classification provided (evidence only). Condition: Malignant tumor of esophagus. Review status: no classification provided. Collection method: in vitro. Allele origin: not applicable. Functional consequence: skipped exon. Not counted in ClinVar's aggregate classification.

Dr. Peter K. Rogan Lab, Western University
No classification provided (evidence only). Condition: Malignant tumor of esophagus. Review status: no classification provided. Collection method: in vitro. Allele origin: not applicable. Functional consequence: skipped exon, retained intron. Not counted in ClinVar's aggregate classification.

NM_016286.4(DCXR):c.150+6T>C

Genes: DCXR (dicarbonyl and L-xylulose reductase; minus strand), LOC130061998 (ATAC-STARR-seq lymphoblastoid silent region 9184; plus strand). Cytogenetic location: 17q25.3.
Variant type: single nucleotide variant.
Coding change: c.150+6T>C on transcript NM_016286.4 (MANE Select); 6 bases into the intron after coding-DNA position 150, T replaced by C.
Molecular consequence: intron variant.
Genome position (GRCh38, 1-based): chr17:82,037,444, A>G on the plus strand (T>C on the coding strand, the complement: DCXR is on the minus strand). VCF-style: chr17-82037444-A-G. GRCh37 (hg19) VCF-style: chr17-79995320-A-G.
Other names: NC_000017.10:g.79995320A>G; c.144+6T>C (NM_001195218.1).
Identifiers: ClinVar variation 3057165 (VCV003057165.3), dbSNP rs113680823, ClinGen allele CA8848776.